The following is an entry in ClinVar:

NM_000256.3(MYBPC3):c.2132G>T (p.Trp711Leu)

Gene: MYBPC3 (myosin binding protein C3; minus strand). Cytogenetic location: 11p11.2.
Variant type: single nucleotide variant.
Coding change: c.2132G>T on transcript NM_000256.3 (MANE Select); coding-DNA position 2132, G replaced by T.
Protein change: p.Trp711Leu; replaces tryptophan 711 with leucine.
Molecular consequence: missense variant.
Genome position (GRCh38, 1-based): chr11:47,339,340, C>A on the plus strand (G>T on the coding strand, the complement: MYBPC3 is on the minus strand). VCF-style: chr11-47339340-C-A. GRCh37 (hg19) VCF-style: chr11-47360891-C-A.
Other names: short protein forms W711L.
Identifiers: ClinVar variation 3297228 (VCV003297228.1).

ClinVar aggregate classification (germline): Uncertain significance (1 of 4 stars; one submission).

Conditions:
Cardiovascular phenotype. Identifiers: MedGen CN230736.

gnomAD v4.1: 2 of 1,614,046 alleles (0.00012%); highest among the groups gnomAD compares: East Asian, 0.0022%; no homozygotes.

Submission:

Ambry Genetics
Classification: Uncertain significance for Cardiovascular phenotype. Last evaluated: 2024-06-04. Review status: criteria provided, single submitter. Criteria: Ambry Variant Classification Scheme 2023. Collection method: clinical testing. Allele origin: germline.
Comment: The p.W711L variant (also known as c.2132G>T), located in coding exon 22 of the MYBPC3 gene, results from a G to T substitution at nucleotide position 2132. The tryptophan at codon 711 is replaced by leucine, an amino acid with similar properties. This amino acid position is conserved. In addition, the in silico prediction for this alteration is inconclusive. Based on the available evidence, the clinical significance of this variant remains unclear.